The following is an entry in ClinVar:

NM_033641.4(COL4A6):c.3843del (p.Pro1283fs)

Gene: COL4A6 (collagen type IV alpha 6 chain; minus strand). Cytogenetic location: Xq22.3.
Variant type: Deletion.
Coding change: c.3843del on transcript NM_033641.4 (MANE Select); coding-DNA position 3843, one base deleted (T; older notation c.3843delT).
Protein change: p.Pro1283fs; shifts the reading frame from proline 1283.
Molecular consequence: frameshift variant.
Genome position (GRCh38, 1-based): chrX:108,165,004, A deleted on the plus strand (T on the coding strand, the reverse complement: COL4A6 is on the minus strand). VCF-style (leftmost placement, unchanged base first): chrX-108165003-CA-C. GRCh37 (hg19) VCF-style: chrX-107408233-CA-C.
Other names: c.3894del, p.Pro1300fs (NM_001287758.2); c.3771del, p.Pro1259fs (NM_001287759.2, NM_001287760.2); c.3846del, p.Pro1284fs (NM_001847.4); short protein forms P1259fs, P1283fs, P1284fs, P1300fs.
Identifiers: ClinVar variation 2629240 (VCV002629240.1), dbSNP rs2521724273, ClinGen allele CA2695197142.
Genomic context (GRCh38, chrX:108,165,003, plus strand): 5'-TAGGTCCAGGAATTCCAGGGAAGCCAGGGTCTCCGGTGTCGCCTTGATTCGAGGATGGCC[CA>C]GGGGGACCTGGGGGTCCAGCGGGGCCTGGGCGGCCTAGGGATAAGATCGGAAGAGGGGCG-3'

ClinVar aggregate classification (germline): Uncertain significance (1 of 4 stars; one submission).

Conditions:
COL4A6-related disorder. Also called: COL4A6-related condition.

Submission:

PreventionGenetics, part of Exact Sciences
Classification: Uncertain significance for COL4A6-related condition. Last evaluated: 2023-07-06. Review status: criteria provided, single submitter. Criteria: ACMG Guidelines, 2015. Collection method: clinical testing. Allele origin: germline.
Comment: The COL4A6 c.3846delT variant is predicted to result in a frameshift and premature protein termination (p.Pro1284Hisfs*38). To our knowledge, this variant has not been reported in the literature or in a large population database, indicating this variant is rare. Of note, not many loss of function variants have been reported in the COL4A6 gene. At this time, the clinical significance of this variant is uncertain due to the absence of conclusive functional and genetic evidence.